The following is an entry in ClinVar:

NM_016562.4(TLR7):c.2549C>T (p.Ser850Phe)

Gene: TLR7 (toll like receptor 7; plus strand). Cytogenetic location: Xp22.2.
Variant type: single nucleotide variant.
Coding change: c.2549C>T on transcript NM_016562.4 (MANE Select); coding-DNA position 2549, C replaced by T.
Protein change: p.Ser850Phe; replaces serine 850 with phenylalanine.
Molecular consequence: missense variant.
Genome position (GRCh38, 1-based): chrX:12,888,057, C>T. VCF-style: chrX-12888057-C-T. GRCh37 (hg19) VCF-style: chrX-12906176-C-T.
Other names: short protein forms S850F.
Identifiers: ClinVar variation 2802390 (VCV002802390.3), dbSNP rs2042917440, ClinGen allele CA412410966.
Genomic context (GRCh38, chrX:12,888,057, plus strand): 5'-TGTACACCTGTGAGTTAGATCTGACTAACCTGATTCTGTTCTCACTTTCCATATCTGTAT[C>T]TCTCTTTCTCATGGTGATGATGACAGCAAGTCACCTCTATTTCTGGGATGTGTGGTATAT-3'
Protein context (NP_057646.1, residues 840-860): LILFSLSISV[Ser850Phe]LFLMVMMTAS

ClinVar aggregate classification (germline): Uncertain significance (1 of 4 stars; one submission).

Allele frequency attached by ClinVar (database versions not stated): TOPMed 0.00001.

Submission:

Labcorp Genetics (formerly Invitae), Labcorp
Classification: Uncertain significance. Last evaluated: 2023-04-25. Review status: criteria provided, single submitter. Criteria: Invitae Variant Classification Sherloc (09022015). Collection method: clinical testing. Allele origin: germline.
Comment: In summary, the available evidence is currently insufficient to determine the role of this variant in disease. Therefore, it has been classified as a Variant of Uncertain Significance. An algorithm developed to predict the effect of missense changes on protein structure and function (PolyPhen-2) suggests that this variant is likely to be tolerated. This variant has not been reported in the literature in individuals affected with TLR7-related conditions. This variant is not present in population databases (gnomAD no frequency). This sequence change replaces serine, which is neutral and polar, with phenylalanine, which is neutral and non-polar, at codon 850 of the TLR7 protein (p.Ser850Phe).